The following is an entry in ClinVar:

NM_001367624.2(ZNF469):c.8870G>A (p.Gly2957Asp)

Gene: ZNF469 (zinc finger protein 469; plus strand). Cytogenetic location: 16q24.2.
Variant type: single nucleotide variant.
Coding change: c.8870G>A on transcript NM_001367624.2 (MANE Select); coding-DNA position 8870, G replaced by A.
Protein change: p.Gly2957Asp; replaces glycine 2957 with aspartic acid.
Molecular consequence: missense variant.
Genome position (GRCh38, 1-based): chr16:88,436,340, G>A. VCF-style: chr16-88436340-G-A. GRCh37 (hg19) VCF-style: chr16-88502748-G-A.
Other names: NM_001127464.1:c.8786G>A; short protein forms G2957D.
Identifiers: ClinVar variation 1764648 (VCV001764648.2), dbSNP rs1223004605, ClinGen allele CA397119603.

ClinVar aggregate classification (germline): Uncertain significance (1 of 4 stars; one submission).

Conditions:
Cardiovascular phenotype. Identifiers: MedGen CN230736.

Allele frequency attached by ClinVar (database versions not stated): gnomAD exomes below 0.00001.
gnomAD v4.1: 3 of 1,549,680 alleles (0.00019%); highest among the groups gnomAD compares: Non-Finnish European, 0.00026%; no homozygotes.

Submission:

Ambry Genetics
Classification: Uncertain significance for Cardiovascular phenotype. Last evaluated: 2022-03-30. Review status: criteria provided, single submitter. Criteria: Ambry Variant Classification Scheme 2023. Collection method: clinical testing. Allele origin: germline.
Comment: The p.G2929D variant (also known as c.8786G>A), located in coding exon 2 of the ZNF469 gene, results from a G to A substitution at nucleotide position 8786. The glycine at codon 2929 is replaced by aspartic acid, an amino acid with similar properties. This amino acid position is conserved. In addition, this alteration is predicted to be tolerated by in silico analysis. Since supporting evidence is limited at this time, the clinical significance of this alteration remains unclear.